The following is an entry in ClinVar:

NM_022489.4(INF2):c.456C>G (p.Ile152Met)

Gene: INF2 (inverted formin 2; plus strand). Cytogenetic location: 14q32.33.
Variant type: single nucleotide variant.
Coding change: c.456C>G on transcript NM_022489.4 (MANE Select); coding-DNA position 456, C replaced by G.
Protein change: p.Ile152Met; replaces isoleucine 152 with methionine.
Molecular consequence: missense variant.
Genome position (GRCh38, 1-based): chr14:104,703,169, C>G. VCF-style: chr14-104703169-C-G. GRCh37 (hg19) VCF-style: chr14-105169506-C-G.
Other names: c.456C>G, p.Ile152Met (NM_001031714.4, NM_032714.3); short protein forms I152M.
Identifiers: ClinVar variation 1719477 (VCV001719477.5), dbSNP rs2504241684, ClinGen allele CA391212889.

ClinVar aggregate classification (germline): Uncertain significance (1 of 4 stars; one submission).

Conditions:
Focal segmental glomerulosclerosis 5 (FSGS5). Identifiers: Orphanet 656, MedGen C2750475, MONDO:0013191, OMIM 613237.
Charcot-Marie-Tooth disease dominant intermediate E. Also called: CHARCOT-MARIE-TOOTH NEUROPATHY WITH FOCAL SEGMENTAL GLOMERULONEPHRITIS. Identifiers: Orphanet 93114, MedGen C4302667, MONDO:0013758, OMIM 614455.

Submission:

Labcorp Genetics (formerly Invitae), Labcorp
Classification: Uncertain significance for Charcot-Marie-Tooth disease dominant intermediate E; Focal segmental glomerulosclerosis 5. Last evaluated: 2025-03-17. Review status: criteria provided, single submitter. Criteria: Invitae Variant Classification Sherloc (09022015). Collection method: clinical testing. Allele origin: germline.
Comment: This sequence change replaces isoleucine, which is neutral and non-polar, with methionine, which is neutral and non-polar, at codon 152 of the INF2 protein (p.Ile152Met). This variant is not present in population databases (gnomAD no frequency). This variant has not been reported in the literature in individuals affected with INF2-related conditions. ClinVar contains an entry for this variant (Variation ID: 1719477). Invitae Evidence Modeling of protein sequence and biophysical properties (such as structural, functional, and spatial information, amino acid conservation, physicochemical variation, residue mobility, and thermodynamic stability) indicates that this missense variant is not expected to disrupt INF2 protein function with a negative predictive value of 95%. In summary, the available evidence is currently insufficient to determine the role of this variant in disease. Therefore, it has been classified as a Variant of Uncertain Significance.